The following is an entry in ClinVar:

ClinVar aggregate classification (germline): Uncertain significance (1 of 4 stars; one submission).

Allele frequency attached by ClinVar (database versions not stated): gnomAD exomes 0.00001 and 0.00002; ExAC 0.00003; TOPMed 0.00003; gnomAD 0.00004 and 0.00005; 1000 Genomes Project 30x 0.00016; 1000 Genomes Project 0.00020.

Submission:

Labcorp Genetics (formerly Invitae), Labcorp
Classification: Uncertain significance. Last evaluated: 2025-08-12. Review status: criteria provided, single submitter. Criteria: Invitae Variant Classification Sherloc (09022015). Collection method: clinical testing. Allele origin: germline.
Comment: This sequence change replaces arginine, which is basic and polar, with glutamine, which is neutral and polar, at codon 177 of the CSF2RB protein (p.Arg177Gln). This variant is present in population databases (rs199604353, gnomAD 0.008%). This variant has not been reported in the literature in individuals affected with CSF2RB-related conditions. ClinVar contains an entry for this variant (Variation ID: 1480932). Invitae Evidence Modeling of protein sequence and biophysical properties (such as structural, functional, and spatial information, amino acid conservation, physicochemical variation, residue mobility, and thermodynamic stability) indicates that this missense variant is not expected to disrupt CSF2RB protein function with a negative predictive value of 80%. In summary, the available evidence is currently insufficient to determine the role of this variant in disease. Therefore, it has been classified as a Variant of Uncertain Significance.

NM_000395.3(CSF2RB):c.530G>A (p.Arg177Gln)

Gene: CSF2RB (colony stimulating factor 2 receptor subunit beta; plus strand). Cytogenetic location: 22q12.3.
Variant type: single nucleotide variant.
Coding change: c.530G>A on transcript NM_000395.3 (MANE Select); coding-DNA position 530, G replaced by A.
Protein change: p.Arg177Gln; replaces arginine 177 with glutamine.
Molecular consequence: missense variant.
Genome position (GRCh38, 1-based): chr22:36,929,540, G>A. VCF-style: chr22-36929540-G-A. GRCh37 (hg19) VCF-style: chr22-37325582-G-A.
Other names: short protein forms R177Q.
Identifiers: ClinVar variation 1480932 (VCV001480932.8), dbSNP rs199604353, ClinGen allele CA10213494.